The following is an entry in ClinVar:

NM_133433.4(NIPBL):c.2798C>T (p.Ala933Val)

Gene: NIPBL (NIPBL cohesin loading factor; plus strand). Cytogenetic location: 5p13.2.
Variant type: single nucleotide variant.
Coding change: c.2798C>T on transcript NM_133433.4 (MANE Select); coding-DNA position 2798, C replaced by T.
Protein change: p.Ala933Val; replaces alanine 933 with valine.
Molecular consequence: missense variant.
Genome position (GRCh38, 1-based): chr5:36,985,978, C>T. VCF-style: chr5-36985978-C-T. GRCh37 (hg19) VCF-style: chr5-36986080-C-T.
Other names: c.2798C>T, p.Ala933Val (NM_015384.5); short protein forms A933V.
Identifiers: ClinVar variation 3626000 (VCV003626000.2).

ClinVar aggregate classification (germline): Uncertain significance (1 of 4 stars; one submission).

Conditions:
Cornelia de Lange syndrome 1 (CDLS1). Also called: Brachmann de Lange syndrome; TYPUS DEGENERATIVUS AMSTELODAMENSIS; NIPBL-Related Cornelia de Lange Syndrome. Identifiers: Orphanet 199, MedGen C4551851, MONDO:0007387, OMIM 122470.

gnomAD v4.1: 7 of 1,613,902 alleles (0.00043%); highest among the groups gnomAD compares: African/African-American, 0.0013%; no homozygotes.

Submission:

Labcorp Genetics (formerly Invitae), Labcorp
Classification: Uncertain significance for Cornelia de Lange syndrome 1. Last evaluated: 2024-05-02. Review status: criteria provided, single submitter. Criteria: Invitae Variant Classification Sherloc (09022015). Collection method: clinical testing. Allele origin: germline.
Comment: This sequence change replaces alanine, which is neutral and non-polar, with valine, which is neutral and non-polar, at codon 933 of the NIPBL protein (p.Ala933Val). This variant is not present in population databases (gnomAD no frequency). This variant has not been reported in the literature in individuals affected with NIPBL-related conditions. Advanced modeling of protein sequence and biophysical properties (such as structural, functional, and spatial information, amino acid conservation, physicochemical variation, residue mobility, and thermodynamic stability) performed at Invitae indicates that this missense variant is not expected to disrupt NIPBL protein function with a negative predictive value of 95%. In summary, the available evidence is currently insufficient to determine the role of this variant in disease. Therefore, it has been classified as a Variant of Uncertain Significance.